The following is an entry in ClinVar:

ClinVar aggregate classification (germline): Uncertain significance. Review status: criteria provided, multiple submitters, no conflicts (2 of 4 stars). 2 submissions from 2 submitters: Uncertain significance (2). Last evaluated 2021-07-04.

Conditions:
Hereditary cancer-predisposing syndrome. Also called: Neoplastic Syndromes, Hereditary; Hereditary neoplastic syndrome; Tumor predisposition; Hereditary Cancer Syndrome. Identifiers: Orphanet 140162, MedGen C0027672, MeSH D009386, MONDO:0015356.
Hereditary nonpolyposis colorectal neoplasms. Identifiers: MedGen C0009405, MeSH D003123.

Submissions (2):

Labcorp Genetics (formerly Invitae), Labcorp
Classification: Uncertain significance for Hereditary nonpolyposis colorectal neoplasms. Last evaluated: 2021-07-04. Review status: criteria provided, single submitter. Criteria: Invitae Variant Classification Sherloc (09022015). Collection method: clinical testing. Allele origin: germline.
Comment: This sequence change replaces lysine with threonine at codon 125 of the MSH6 protein (p.Lys125Thr). The lysine residue is moderately conserved and there is a moderate physicochemical difference between lysine and threonine. In summary, the available evidence is currently insufficient to determine the role of this variant in disease. Therefore, it has been classified as a Variant of Uncertain Significance. Advanced modeling of protein sequence and biophysical properties (such as structural, functional, and spatial information, amino acid conservation, physicochemical variation, residue mobility, and thermodynamic stability) performed at Invitae indicates that this missense variant is not expected to disrupt MSH6 protein function. This variant has not been reported in the literature in individuals affected with MSH6-related conditions. This variant is not present in population databases (ExAC no frequency).

Ambry Genetics
Classification: Uncertain significance for Hereditary cancer-predisposing syndrome. Last evaluated: 2019-06-25. Review status: criteria provided, single submitter. Criteria: Ambry Variant Classification Scheme 2023. Collection method: clinical testing. Allele origin: germline.
Comment: The p.K125T variant (also known as c.374A>C), located in coding exon 2 of the MSH6 gene, results from an A to C substitution at nucleotide position 374. The lysine at codon 125 is replaced by threonine, an amino acid with similar properties. This amino acid position is not well conserved in available vertebrate species. In addition, this alteration is predicted to be tolerated by in silico analysis. Since supporting evidence is limited at this time, the clinical significance of this alteration remains unclear.

NM_000179.3(MSH6):c.374A>C (p.Lys125Thr)

Gene: MSH6 (mutS homolog 6; plus strand). Cytogenetic location: 2p16.3.
Variant type: single nucleotide variant.
Coding change: c.374A>C on transcript NM_000179.3 (MANE Select); coding-DNA position 374, A replaced by C.
Protein change: p.Lys125Thr; replaces lysine 125 with threonine.
Molecular consequence: missense variant. On other transcripts: 5 prime UTR variant (2), intron variant (1).
Genome position (GRCh38, 1-based): chr2:47,791,040, A>C. VCF-style: chr2-47791040-A-C. GRCh37 (hg19) VCF-style: chr2-48018179-A-C.
Other names: c.-363A>C (NM_001281493.2); c.-529A>C (NM_001281494.2); c.237+7570A>C (NM_001281492.2); short protein forms K125T.
Identifiers: ClinVar variation 1393082 (VCV001393082.10), dbSNP rs2104106436, ClinGen allele CA346737034.